The following is an entry in ClinVar:

ClinVar aggregate classification (germline): Likely benign (1 of 4 stars; one submission).

Allele frequency attached by ClinVar (database versions not stated): ExAC 0.00001; gnomAD 0.00001; TOPMed 0.00001.
gnomAD v4.1: 5 of 1,613,992 alleles (0.00031%); highest among the groups gnomAD compares: South Asian, 0.0022%; no homozygotes.

Submission:

CeGaT Center for Human Genetics Tuebingen
Classification: Likely benign. Last evaluated: 2022-06-01. Review status: criteria provided, single submitter. Criteria: CeGaT Center For Human Genetics Tuebingen Variant Classification Criteria Version 2. Collection method: clinical testing. Allele origin: germline. Affected: yes. Observed: 1 variant allele.
Comment: OR13A1: BP4, BP7

NM_001004297.3(OR13A1):c.915C>T (p.Pro305=)

Gene: OR13A1 (olfactory receptor family 13 subfamily A member 1; minus strand). Cytogenetic location: 10q11.21.
Variant type: single nucleotide variant.
Coding change: c.915C>T on transcript NM_001004297.3 (MANE Select); coding-DNA position 915, C replaced by T.
Protein change: p.Pro305=; no amino-acid change (proline 305 retained).
Molecular consequence: synonymous variant.
Genome position (GRCh38, 1-based): chr10:45,303,508, G>A on the plus strand (C>T on the coding strand, the complement: OR13A1 is on the minus strand). VCF-style: chr10-45303508-G-A. GRCh37 (hg19) VCF-style: chr10-45798956-G-A.
Identifiers: ClinVar variation 2640423 (VCV002640423.24), dbSNP rs760244924, ClinGen allele CA5480570.